The following is an entry in ClinVar:

NM_000235.4(LIPA):c.1057G>T (p.Val353Phe)

Gene: LIPA (lipase A, lysosomal acid type; minus strand). Cytogenetic location: 10q23.31.
Variant type: single nucleotide variant.
Coding change: c.1057G>T on transcript NM_000235.4 (MANE Select); coding-DNA position 1057, G replaced by T.
Protein change: p.Val353Phe; replaces valine 353 with phenylalanine.
Molecular consequence: missense variant.
Genome position (GRCh38, 1-based): chr10:89,214,971, C>A on the plus strand (G>T on the coding strand, the complement: LIPA is on the minus strand). VCF-style: chr10-89214971-C-A. GRCh37 (hg19) VCF-style: chr10-90974728-C-A.
Other names: c.1057G>T, p.Val353Phe (NM_001127605.3, NM_001440818.1, NM_001440819.1 and 16 more transcripts); c.709G>T, p.Val237Phe (NM_001288979.2); c.1189G>T, p.Val397Phe (NM_001440836.1); c.1078G>T, p.Val360Phe (NM_001440837.1); c.1072G>T, p.Val358Phe (NM_001440838.1); c.889G>T, p.Val297Phe (NM_001440839.1); short protein forms V297F, V353F, V360F, V237F, V358F, V397F.
Identifiers: ClinVar variation 4709860 (VCV004709860.1).

ClinVar aggregate classification (germline): Uncertain significance (1 of 4 stars; one submission).

Conditions:
Wolman disease (WOLD). Also called: Acid cholesteryl ester hydrolase deficiency, Wolman type; Acid lipase disease; Wolman disease, CESD; Infantile-Onset LAL-D (Wolman Disease); Wolman disease with hypolipoproteinemia and acanthocytosis; LYSOSOMAL ACID LIPASE DEFICIENCY, ACUTE INFANTILE. Identifiers: Orphanet 75233, MedGen C0043208, MONDO:0019148, OMIM 620151.

Submission:

Labcorp Genetics (formerly Invitae), Labcorp
Classification: Uncertain significance for Wolman disease. Last evaluated: 2025-05-12. Review status: criteria provided, single submitter. Criteria: Invitae Variant Classification Sherloc (09022015). Collection method: clinical testing. Allele origin: germline.
Comment: This sequence change replaces valine, which is neutral and non-polar, with phenylalanine, which is neutral and non-polar, at codon 353 of the LIPA protein (p.Val353Phe). This variant is not present in population databases (gnomAD no frequency). This variant has not been reported in the literature in individuals affected with LIPA-related conditions. Invitae Evidence Modeling of protein sequence and biophysical properties (such as structural, functional, and spatial information, amino acid conservation, physicochemical variation, residue mobility, and thermodynamic stability) indicates that this missense variant is expected to disrupt LIPA protein function with a positive predictive value of 95%. In summary, the available evidence is currently insufficient to determine the role of this variant in disease. Therefore, it has been classified as a Variant of Uncertain Significance.